The following is an entry in ClinVar:

NM_206933.4(USH2A):c.6394del (p.Ser2132fs)

Gene: USH2A (usherin; minus strand). Cytogenetic location: 1q41.
Variant type: Deletion.
Coding change: c.6394del on transcript NM_206933.4 (MANE Select); coding-DNA position 6394, one base deleted (T; older notation c.6394delT).
Protein change: p.Ser2132fs; shifts the reading frame from serine 2132.
Molecular consequence: frameshift variant.
Genome position (GRCh38, 1-based): chr1:216,000,494, A deleted on the plus strand (T on the coding strand, the reverse complement: USH2A is on the minus strand); the first of 2 consecutive A bases (chr1:216,000,494-216,000,495); deleting either gives the same sequence. VCF-style (leftmost placement, unchanged base first): chr1-216000493-GA-G. GRCh37 (hg19) VCF-style: chr1-216173835-GA-G.
Other names: short protein forms S2132fs.
Identifiers: ClinVar variation 941927 (VCV000941927.7), dbSNP rs1668243665, ClinGen allele CA1139656563.

ClinVar aggregate classification (germline): Pathogenic (1 of 4 stars; one submission).

Submission:

Labcorp Genetics (formerly Invitae), Labcorp
Classification: Pathogenic. Last evaluated: 2019-08-29. Review status: criteria provided, single submitter. Criteria: Invitae Variant Classification Sherloc (09022015). Collection method: clinical testing. Allele origin: germline.
Comment: This variant is not present in population databases (ExAC no frequency). This sequence change creates a premature translational stop signal (p.Ser2132Profs*20) in the USH2A gene. It is expected to result in an absent or disrupted protein product. This variant has not been reported in the literature in individuals with USH2A-related conditions. For these reasons, this variant has been classified as Pathogenic. Loss-of-function variants in USH2A are known to be pathogenic (PMID: 10729113, 10909849, 20507924, 25649381).

Literature cited by the submitters: PubMed 10729113; PubMed 10909849; PubMed 20507924; PubMed 25649381.